The following is an entry in ClinVar:

NM_032588.4(TRIM63):c.168T>C (p.Asn56=)

Gene: TRIM63 (tripartite motif containing 63; minus strand). Cytogenetic location: 1p36.11.
Variant type: single nucleotide variant.
Coding change: c.168T>C on transcript NM_032588.4 (MANE Select); coding-DNA position 168, T replaced by C.
Protein change: p.Asn56=; no amino-acid change (asparagine 56 retained).
Molecular consequence: synonymous variant.
Genome position (GRCh38, 1-based): chr1:26,066,432, A>G on the plus strand (T>C on the coding strand, the complement: TRIM63 is on the minus strand). VCF-style: chr1-26066432-A-G. GRCh37 (hg19) VCF-style: chr1-26392923-A-G.
Identifiers: ClinVar variation 4980977 (VCV004980977.1).
Genomic context (GRCh38, chr1:26,066,432, plus strand): 5'-GGGGCAGCGGAAACGGCCTCCAGACATGGACACTGAGCTGCCCCGGCTGGTCCAGTAGGG[A>G]TTTGCAGCCTGCAGGTGGCAAAGGTCAAGGTGAGGCCTGGGCTCCCTACTTAGCCCTTCT-3'
Protein context (NP_115977.2, residues 46-66): KCANDIFQAA[Asn56=]PYWTSRGSSV

ClinVar aggregate classification (germline): Likely benign (1 of 4 stars; one submission).

Conditions:
TRIM63-related disorder. Also called: TRIM63-related condition.

gnomAD v4.1: 34 of 1,580,866 alleles (0.0022%); highest among the groups gnomAD compares: African/African-American, 0.044%; no homozygotes.

Submission:

PreventionGenetics, part of Exact Sciences
Classification: Likely benign for TRIM63-related condition. Last evaluated: 2026-02-17. Review status: criteria provided, single submitter. Criteria: ACMG Guidelines, 2015. Collection method: clinical testing. Allele origin: germline.
Comment: This variant is classified as likely benign based on ACMG/AMP sequence variant interpretation guidelines (Richards et al. 2015 PMID: 25741868, with internal and published modifications).